The following is an entry in ClinVar:

ClinVar aggregate classification (germline): Likely pathogenic (1 of 4 stars; one submission).

Submission:

CeGaT Center for Human Genetics Tuebingen
Classification: Likely pathogenic. Last evaluated: 2025-11-01. Review status: criteria provided, single submitter. Criteria: CeGaT Center For Human Genetics Tuebingen Variant Classification Criteria Version 2. Collection method: clinical testing. Allele origin: germline. Affected: yes. Observed: 1 variant allele.
Comment: FOXN1: PVS1:Strong, PM2

NM_001369369.1(FOXN1):c.1350del (p.Tyr451fs)

Gene: FOXN1 (forkhead box N1; plus strand). Cytogenetic location: 17q11.2.
Variant type: Deletion.
Coding change: c.1350del on transcript NM_001369369.1 (MANE Select); coding-DNA position 1350, one base deleted (C; older notation c.1350delC).
Protein change: p.Tyr451fs; shifts the reading frame from tyrosine 451.
Molecular consequence: frameshift variant.
Genome position (GRCh38, 1-based): chr17:28,534,921, C deleted. VCF-style (leftmost placement, unchanged base first): chr17-28534920-GC-G. GRCh37 (hg19) VCF-style: chr17-26861938-GC-G.
Other names: c.1350del, p.Tyr451fs (NM_003593.3); short protein forms Y451fs.
Identifiers: ClinVar variation 4535381 (VCV004535381.6).